The following is an entry in ClinVar:

NM_005334.3(HCFC1):c.3754C>T (p.Pro1252Ser)

Gene: HCFC1 (host cell factor C1; minus strand). Cytogenetic location: Xq28.
Variant type: single nucleotide variant.
Coding change: c.3754C>T on transcript NM_005334.3 (MANE Select); coding-DNA position 3754, C replaced by T.
Protein change: p.Pro1252Ser; replaces proline 1252 with serine.
Molecular consequence: missense variant.
Genome position (GRCh38, 1-based): chrX:153,954,645, G>A on the plus strand (C>T on the coding strand, the complement: HCFC1 is on the minus strand). VCF-style: chrX-153954645-G-A. GRCh37 (hg19) VCF-style: chrX-153220096-G-A.
Other names: short protein forms P1252S.
Identifiers: ClinVar variation 1345559 (VCV001345559.8), dbSNP rs782399563, ClinGen allele CA10557138.
Genomic context (GRCh38, chrX:153,954,645, plus strand): 5'-CAGTCACTGTGGTGCTGGGCGAGCCACCCTGGAGGCTCTCGCACACAGGTGCCATGCGGG[G>A]CTCCCCAGCACCCACGCTGGAACGGGTCATGGCAGCGGTGCTGACCGCATGGCTGTGGCG-3'
Protein context (NP_005325.2, residues 1242-1262): MTRSSVGAGE[Pro1252Ser]RMAPVCESLQ

ClinVar aggregate classification (germline): Uncertain significance (1 of 4 stars; one submission).

Conditions:
Methylmalonic acidemia with homocystinuria, type cblX (MAHCX). Also called: INTELLECTUAL DEVELOPMENTAL DISORDER, X-LINKED 3. Identifiers: Orphanet 369962, MedGen C0796208, MONDO:0010657, OMIM 309541.

Allele frequency attached by ClinVar (database versions not stated): gnomAD exomes 0.00001 and 0.00002; gnomAD 0.00002 and 0.00003; TOPMed 0.00002.
gnomAD v4.1: 10 of 1,205,674 alleles (0.00083%); highest among the groups gnomAD compares: Admixed American, 0.0022%; no homozygotes.

Submission:

Labcorp Genetics (formerly Invitae), Labcorp
Classification: Uncertain significance for Methylmalonic acidemia with homocystinuria, type cblX. Last evaluated: 2022-12-06. Review status: criteria provided, single submitter. Criteria: Invitae Variant Classification Sherloc (09022015). Collection method: clinical testing. Allele origin: germline.
Comment: In summary, the available evidence is currently insufficient to determine the role of this variant in disease. Therefore, it has been classified as a Variant of Uncertain Significance. Algorithms developed to predict the effect of missense changes on protein structure and function output the following: SIFT: "Tolerated"; PolyPhen-2: "Benign"; Align-GVGD: "Class C0". The serine amino acid residue is found in multiple mammalian species, which suggests that this missense change does not adversely affect protein function. ClinVar contains an entry for this variant (Variation ID: 1345559). This variant has not been reported in the literature in individuals affected with HCFC1-related conditions. This variant is present in population databases (rs782399563, gnomAD 0.004%). This sequence change replaces proline, which is neutral and non-polar, with serine, which is neutral and polar, at codon 1252 of the HCFC1 protein (p.Pro1252Ser).